The following is an entry in ClinVar:

NM_018344.6(SLC29A3):c.304T>C (p.Tyr102His)

Genes: SLC29A3 (solute carrier family 29 member 3; plus strand), LOC105378353 (uncharacterized LOC105378353; minus strand). Cytogenetic location: 10q22.1.
Variant type: single nucleotide variant.
Coding change: c.304T>C on transcript NM_018344.6 (MANE Select); coding-DNA position 304, T replaced by C.
Protein change: p.Tyr102His; replaces tyrosine 102 with histidine.
Molecular consequence: missense variant.
Genome position (GRCh38, 1-based): chr10:71,344,212, T>C. VCF-style: chr10-71344212-T-C. GRCh37 (hg19) VCF-style: chr10-73103969-T-C.
Other names: p.Tyr102His; c.304T>C, p.Tyr102His (NM_001174098.2); c.70T>C, p.Tyr24His (NM_001363518.2); short protein forms Y102H, Y24H.
Identifiers: ClinVar variation 130335 (VCV000130335.22), dbSNP rs77339410, ClinGen allele CA155230.

ClinVar aggregate classification (germline): Benign/Likely benign. Review status: criteria provided, multiple submitters, no conflicts (2 of 4 stars). 6 submissions from 6 submitters: Benign (4); Likely benign (1). 1 of the submissions does not count toward it. Last evaluated 2026-02-02.

Conditions:
H syndrome. Also called: FAISALABAD HISTIOCYTOSIS; Histiocytosis with joint contractures and sensorineural deafness; Asrar Facharzt Haque syndrome; HISTIOCYTOSIS AND LYMPHADENOPATHY WITH OR WITHOUT CUTANEOUS, CARDIAC, AND/OR ENDOCRINE FEATURES, JOINT CONTRACTURES, AND/OR DEAFNESS; HYPERPIGMENTATION, CUTANEOUS, WITH HYPERTRICHOSIS, HEPATOSPLENOMEGALY, HEART ANOMALIES, AND HYPOGONADISM WITH OR WITHOUT HEARING LOSS; PIGMENTED HYPERTRICHOSIS WITH INSULIN-DEPENDENT DIABETES MELLITUS. Identifiers: Orphanet 168569, MedGen C1864445, MONDO:0011273, OMIM 602782.

Allele frequency attached by ClinVar (database versions not stated): gnomAD exomes 0.00428 and 0.00150; ExAC 0.00540; gnomAD 0.01738 and 0.01624; 1000 Genomes Project 0.01897; 1000 Genomes Project 30x 0.02092; TOPMed 0.01762; ESP Exome Variant Server 0.02061.
gnomAD v4.1: 4,784 of 1,614,002 alleles (0.3%); highest among the groups gnomAD compares: African/African-American, 5.6%; 159 homozygotes.

Submissions (6):

Labcorp Genetics (formerly Invitae), Labcorp
Classification: Benign for H syndrome. Last evaluated: 2026-02-02. Review status: criteria provided, single submitter. Criteria: Invitae Variant Classification Sherloc (09022015). Collection method: clinical testing. Allele origin: germline.

Women's Health and Genetics/Laboratory Corporation of America, LabCorp
Classification: Likely benign. Last evaluated: 2026-01-22. Review status: criteria provided, single submitter. Criteria: LabCorp Variant Classification Summary - May 2015. Collection method: clinical testing. Allele origin: germline.

Mayo Clinic Laboratories, Mayo Clinic
Classification: Benign. Last evaluated: 2023-08-20. Review status: criteria provided, single submitter. Criteria: ACMG Guidelines, 2015. Collection method: clinical testing. Allele origin: germline. Observed: 8 variant alleles.

Illumina Laboratory Services, Illumina
Classification: Benign for H syndrome. Last evaluated: 2018-01-13. Review status: criteria provided, single submitter. Criteria: ICSL Variant Classification Criteria 13 December 2019. Collection method: clinical testing. Allele origin: germline.
Comment: This variant was observed in the ICSL laboratory as part of a predisposition screen in an ostensibly healthy population. It had not been previously curated by ICSL or reported in the Human Gene Mutation Database (HGMD: prior to June 1st, 2018), and was therefore a candidate for classification through an automated scoring system. Utilizing variant allele frequency, disease prevalence and penetrance estimates, and inheritance mode, an automated score was calculated to assess if this variant is too frequent to cause the disease. Based on the score and internal cut-off values, a variant classified as benign is not then subjected to further curation. The score for this variant resulted in a classification of benign for this disease.

Breakthrough Genomics
Classification: Benign. Review status: criteria provided, single submitter. Criteria: ACMG Guidelines, 2015. Collection method: not provided. Allele origin: germline. Inheritance: Autosomal recessive inheritance. Affected: yes.

Genetic Services Laboratory, University of Chicago
Classification: Likely benign for AllHighlyPenetrant. Review status: no assertion criteria provided. Collection method: clinical testing. Allele origin: germline. Inheritance: Autosomal recessive inheritance. Not counted in ClinVar's aggregate classification.
Comment: Likely benign based on allele frequency in 1000 Genomes Project or ESP global frequency and its presence in a patient with a rare or unrelated disease phenotype. NOT Sanger confirmed.